The following is an entry in ClinVar:

ClinVar aggregate classification (germline): Conflicting classifications of pathogenicity. Review status: criteria provided, conflicting classifications (1 of 4 stars). 4 submissions from 4 submitters: Uncertain significance (1); Likely benign (3). Last evaluated 2026-01-26.

Allele frequency attached by ClinVar (database versions not stated): TOPMed 0.00007; ExAC 0.00008; gnomAD 0.00008 and 0.00009; gnomAD exomes 0.00008 and 0.00011.
gnomAD v4.1: 135 of 1,614,044 alleles (0.0084%); highest among the groups gnomAD compares: Middle Eastern, 0.033%; no homozygotes.

Submissions (4):

Labcorp Genetics (formerly Invitae), Labcorp
Classification: Likely benign. Last evaluated: 2026-01-26. Review status: criteria provided, single submitter. Criteria: Invitae Variant Classification Sherloc (09022015). Collection method: clinical testing. Allele origin: germline.

Blueprint Genetics
Classification: Likely benign. Last evaluated: 2024-02-08. Review status: criteria provided, single submitter. Criteria: ACMG Guidelines, 2015. Collection method: clinical testing. Allele origin: germline.

GeneDx
Classification: Likely benign. Last evaluated: 2019-08-26. Review status: criteria provided, single submitter. Criteria: GeneDx Variant Classification Process June 2021. Collection method: clinical testing. Allele origin: germline. Affected: yes.
Comment: This variant is associated with the following publications: (PMID: 33226606)

Eurofins Ntd Llc (ga)
Classification: Uncertain significance. Last evaluated: 2017-05-01. Review status: criteria provided, single submitter. Criteria: EGL Classification Definitions 2015. Collection method: clinical testing. Allele origin: germline. Observed: 1 variant allele, 1 heterozygote.

NM_000092.5(COL4A4):c.1460-6G>A

Gene: COL4A4 (collagen type IV alpha 4 chain; minus strand). Cytogenetic location: 2q36.3.
Variant type: single nucleotide variant.
Coding change: c.1460-6G>A on transcript NM_000092.5 (MANE Select); 6 bases into the intron before coding-DNA position 1460, G replaced by A.
Molecular consequence: intron variant.
Genome position (GRCh38, 1-based): chr2:227,088,822, C>T on the plus strand (G>A on the coding strand, the complement: COL4A4 is on the minus strand). VCF-style: chr2-227088822-C-T. GRCh37 (hg19) VCF-style: chr2-227953538-C-T.
Identifiers: ClinVar variation 501372 (VCV000501372.18), dbSNP rs771213140, ClinGen allele CA2145149.